The following is an entry in ClinVar:

NM_021098.3(CACNA1H):c.1399A>G (p.Ile467Val)

Gene: CACNA1H (calcium voltage-gated channel subunit alpha1 H; plus strand). Cytogenetic location: 16p13.3.
Variant type: single nucleotide variant.
Coding change: c.1399A>G on transcript NM_021098.3 (MANE Select); coding-DNA position 1399, A replaced by G.
Protein change: p.Ile467Val; replaces isoleucine 467 with valine.
Molecular consequence: missense variant.
Genome position (GRCh38, 1-based): chr16:1,201,849, A>G. VCF-style: chr16-1201849-A-G. GRCh37 (hg19) VCF-style: chr16-1251849-A-G.
Other names: c.1399A>G, p.Ile467Val (NM_001005407.2); short protein forms I467V.
Identifiers: ClinVar variation 1505268 (VCV001505268.11), dbSNP rs1967962877, ClinGen allele CA394160680.

ClinVar aggregate classification (germline): Conflicting classifications of pathogenicity. Review status: criteria provided, conflicting classifications (1 of 4 stars). 3 submissions from 3 submitters: Uncertain significance (2); Likely benign (1). Last evaluated 2024-04-10.

Conditions:
Epilepsy, childhood absence, susceptibility to, 6. Identifiers: Orphanet 64280, MedGen C2749872, MONDO:0012763, OMIM 611942.
Hyperaldosteronism, familial, type IV (HALD4). Also called: FH IV; ALDOSTERONISM, PRIMARY, AND HYPERTENSION. Identifiers: Orphanet 642671, MedGen C4310756, MONDO:0014875, OMIM 617027.
Idiopathic generalized epilepsy. Also called: Generalised epilepsy; EIG. Identifiers: MedGen C0270850, MONDO:0005579, OMIM 600669.

Allele frequency attached by ClinVar (database versions not stated): gnomAD exomes below 0.00001.
gnomAD v4.1: 4 of 1,566,678 alleles (0.00026%); highest among the groups gnomAD compares: Non-Finnish European, 0.00035%; no homozygotes.

Submissions (3):

Fulgent Genetics
Classification: Uncertain significance for Epilepsy, childhood absence, susceptibility to, 6; Hyperaldosteronism, familial, type IV. Last evaluated: 2024-04-10. Review status: criteria provided, single submitter. Criteria: ACMG Guidelines, 2015. Collection method: clinical testing. Allele origin: germline.

Labcorp Genetics (formerly Invitae), Labcorp
Classification: Uncertain significance for Idiopathic generalized epilepsy; Hyperaldosteronism, familial, type IV. Last evaluated: 2024-02-13. Review status: criteria provided, single submitter. Criteria: Invitae Variant Classification Sherloc (09022015). Collection method: clinical testing. Allele origin: germline.
Comment: This sequence change replaces isoleucine, which is neutral and non-polar, with valine, which is neutral and non-polar, at codon 467 of the CACNA1H protein (p.Ile467Val). This variant is not present in population databases (gnomAD no frequency). This variant has not been reported in the literature in individuals affected with CACNA1H-related conditions. ClinVar contains an entry for this variant (Variation ID: 1505268). Advanced modeling of protein sequence and biophysical properties (such as structural, functional, and spatial information, amino acid conservation, physicochemical variation, residue mobility, and thermodynamic stability) performed at Invitae indicates that this missense variant is not expected to disrupt CACNA1H protein function with a negative predictive value of 80%. In summary, the available evidence is currently insufficient to determine the role of this variant in disease. Therefore, it has been classified as a Variant of Uncertain Significance.

Blueprint Genetics
Classification: Likely benign. Last evaluated: 2022-12-01. Review status: criteria provided, single submitter. Criteria: ACMG Guidelines, 2015. Collection method: clinical testing. Allele origin: germline.